The following is an entry in ClinVar:

ClinVar aggregate classification (germline): Conflicting classifications of pathogenicity. Review status: criteria provided, conflicting classifications (1 of 4 stars). 2 submissions from 2 submitters: Uncertain significance (1); Benign (1). Last evaluated 2025-12-02.

Conditions:
Tuberous sclerosis 2 (TSC2). Identifiers: Orphanet 805, MedGen C1860707, MONDO:0013199, OMIM 613254.
Hereditary cancer-predisposing syndrome. Also called: Hereditary neoplastic syndrome; Neoplastic Syndromes, Hereditary; Hereditary Cancer Syndrome; Tumor predisposition. Identifiers: Orphanet 140162, MedGen C0027672, MeSH D009386, MONDO:0015356.

Allele frequency attached by ClinVar (database versions not stated): gnomAD exomes below 0.00001.
gnomAD v4.1: 5 of 1,613,270 alleles (0.00031%); highest among the groups gnomAD compares: Non-Finnish European, 0.00025%; no homozygotes.

Submissions (2):

Ambry Genetics
Classification: Uncertain significance for Hereditary cancer-predisposing syndrome. Last evaluated: 2025-12-02. Review status: criteria provided, single submitter. Criteria: Ambry Variant Classification Scheme 2023. Collection method: clinical testing. Allele origin: germline.
Comment: The p.T603I variant (also known as c.1808C>T), located in coding exon 16 of the TSC2 gene, results from a C to T substitution at nucleotide position 1808. The threonine at codon 603 is replaced by isoleucine, an amino acid with similar properties. This amino acid position is conserved. In addition, the in silico prediction for this alteration is inconclusive. Since supporting evidence is limited at this time, the clinical significance of this alteration remains unclear.

Labcorp Genetics (formerly Invitae), Labcorp
Classification: Benign for Tuberous sclerosis 2. Last evaluated: 2025-07-27. Review status: criteria provided, single submitter. Criteria: Invitae Variant Classification Sherloc (09022015). Collection method: clinical testing. Allele origin: germline.

NM_000548.5(TSC2):c.1808C>T (p.Thr603Ile)

Gene: TSC2 (TSC complex subunit 2; plus strand). Cytogenetic location: 16p13.3.
Variant type: single nucleotide variant.
Coding change: c.1808C>T on transcript NM_000548.5 (MANE Select); coding-DNA position 1808, C replaced by T.
Protein change: p.Thr603Ile; replaces threonine 603 with isoleucine.
Molecular consequence: missense variant.
Genome position (GRCh38, 1-based): chr16:2,070,547, C>T. VCF-style: chr16-2070547-C-T. GRCh37 (hg19) VCF-style: chr16-2120548-C-T.
Other names: c.1808C>T (NM_000548.3); c.1808C>T, p.Thr603Ile (NM_001077183.3, NM_001114382.3, NM_001363528.2 and 3 more transcripts); c.1697C>T, p.Thr566Ile (NM_001318827.2); c.1661C>T, p.Thr554Ile (NM_001318829.2); c.1208C>T, p.Thr403Ile (NM_001318831.2); c.1841C>T, p.Thr614Ile (NM_001318832.2); short protein forms T614I, T603I, T554I, T566I, T403I.
Identifiers: ClinVar variation 1417670 (VCV001417670.10), dbSNP rs1318655892, ClinGen allele CA394272966.